The following is an entry in ClinVar:

NM_032043.3(BRIP1):c.1816A>C (p.Lys606Gln)

Gene: BRIP1 (BRCA1 interacting DNA helicase 1; minus strand). Cytogenetic location: 17q23.2.
Variant type: single nucleotide variant.
Coding change: c.1816A>C on transcript NM_032043.3 (MANE Select); coding-DNA position 1816, A replaced by C.
Protein change: p.Lys606Gln; replaces lysine 606 with glutamine.
Molecular consequence: missense variant.
Genome position (GRCh38, 1-based): chr17:61,780,380, T>G on the plus strand (A>C on the coding strand, the complement: BRIP1 is on the minus strand). VCF-style: chr17-61780380-T-G. GRCh37 (hg19) VCF-style: chr17-59857741-T-G.
Other names: short protein forms K606Q.
Identifiers: ClinVar variation 479466 (VCV000479466.8), dbSNP rs1386348664, ClinGen allele CA400480187.
Genomic context (GRCh38, chr17:61,780,380, plus strand): 5'-CTGACGAAAAGGATTTCATTGGTGATAATGTACCAGATGTCAAAACAATGGTCTGAACTT[T>G]GCCATTAATATCTGAAAAGGCCTAAAAGAAAACAACATTAGATAAATAAAATTATCTTTA-3'
Protein context (NP_114432.2, residues 596-616): PAVAFSDING[Lys606Gln]VQTIVLTSGT

ClinVar aggregate classification (germline): Uncertain significance. Review status: criteria provided, multiple submitters, no conflicts (2 of 4 stars). 2 submissions from 2 submitters: Uncertain significance (2). Last evaluated 2025-08-03.

Conditions:
Hereditary cancer-predisposing syndrome. Also called: Tumor predisposition; Neoplastic Syndromes, Hereditary; Hereditary Cancer Syndrome; Hereditary neoplastic syndrome. Identifiers: Orphanet 140162, MedGen C0027672, MeSH D009386, MONDO:0015356.
Fanconi anemia complementation group J. Also called: BRIP1-Related Fanconi Anemia. Identifiers: Orphanet 84, MedGen C1836860, MONDO:0012187, OMIM 609054.
Familial cancer of breast. Also called: BREAST CANCER, FAMILIAL; Hereditary breast cancer; hereditary breast carcinoma. Identifiers: Orphanet 227535, MedGen C0346153, MONDO:0016419, OMIM 114480. Disease mechanism: loss of function.

Allele frequency attached by ClinVar (database versions not stated): gnomAD exomes below 0.00001.
gnomAD v4.1: 1 of 1,610,840 alleles (0.000062%); highest among the groups gnomAD compares: Admixed American, 0.0017%; no homozygotes.

Submissions (2):

Labcorp Genetics (formerly Invitae), Labcorp
Classification: Uncertain significance for Familial cancer of breast; Fanconi anemia complementation group J. Last evaluated: 2025-08-03. Review status: criteria provided, single submitter. Criteria: Invitae Variant Classification Sherloc (09022015). Collection method: clinical testing. Allele origin: germline.
Comment: This sequence change replaces lysine, which is basic and polar, with glutamine, which is neutral and polar, at codon 606 of the BRIP1 protein (p.Lys606Gln). This variant is present in population databases (no rsID available, gnomAD 0.003%). This variant has not been reported in the literature in individuals affected with BRIP1-related conditions. ClinVar contains an entry for this variant (Variation ID: 479466). Invitae Evidence Modeling of protein sequence and biophysical properties (such as structural, functional, and spatial information, amino acid conservation, physicochemical variation, residue mobility, and thermodynamic stability) indicates that this missense variant is not expected to disrupt BRIP1 protein function with a negative predictive value of 95%. In summary, the available evidence is currently insufficient to determine the role of this variant in disease. Therefore, it has been classified as a Variant of Uncertain Significance.

Ambry Genetics
Classification: Uncertain significance for Hereditary cancer-predisposing syndrome. Last evaluated: 2020-02-28. Review status: criteria provided, single submitter. Criteria: Ambry Variant Classification Scheme 2023. Collection method: clinical testing. Allele origin: germline.
Comment: The p.K606Q variant (also known as c.1816A>C), located in coding exon 12 of the BRIP1 gene, results from an A to C substitution at nucleotide position 1816. The lysine at codon 606 is replaced by glutamine, an amino acid with similar properties. This amino acid position is not well conserved in available vertebrate species. In addition, this alteration is predicted to be tolerated by in silico analysis. Since supporting evidence is limited at this time, the clinical significance of this alteration remains unclear.